The following is an entry in ClinVar:

NM_001369.3(DNAH5):c.5712T>C (p.Cys1904=)

Gene: DNAH5 (dynein axonemal heavy chain 5; minus strand). Cytogenetic location: 5p15.2.
Variant type: single nucleotide variant.
Coding change: c.5712T>C on transcript NM_001369.3 (MANE Select); coding-DNA position 5712, T replaced by C.
Protein change: p.Cys1904=; no amino-acid change (cysteine 1904 retained).
Molecular consequence: synonymous variant.
Genome position (GRCh38, 1-based): chr5:13,839,526, A>G on the plus strand (T>C on the coding strand, the complement: DNAH5 is on the minus strand). VCF-style: chr5-13839526-A-G. GRCh37 (hg19) VCF-style: chr5-13839635-A-G.
Identifiers: ClinVar variation 1120528 (VCV001120528.33), dbSNP rs2151857507, ClinGen allele CA443255377.

ClinVar aggregate classification (germline): Likely benign. Review status: criteria provided, multiple submitters, no conflicts (2 of 4 stars). 2 submissions from 2 submitters: Likely benign (2). Last evaluated 2022-08-01.

Conditions:
Primary ciliary dyskinesia. Also called: Ciliary dyskinesia. Identifiers: Orphanet 244, MedGen C0008780, MONDO:0016575, HP:0012265.

gnomAD v4.1: 1 of 1,613,154 alleles (0.000062%); highest among the groups gnomAD compares: Non-Finnish European, 0.000085%; no homozygotes.

Submissions (2):

CeGaT Center for Human Genetics Tuebingen
Classification: Likely benign. Last evaluated: 2022-08-01. Review status: criteria provided, single submitter. Criteria: CeGaT Center For Human Genetics Tuebingen Variant Classification Criteria Version 2. Collection method: clinical testing. Allele origin: germline. Affected: yes. Observed: 1 variant allele.
Comment: DNAH5: PM2:Supporting, BP4, BP7

Labcorp Genetics (formerly Invitae), Labcorp
Classification: Likely benign for Primary ciliary dyskinesia. Last evaluated: 2020-03-09. Review status: criteria provided, single submitter. Criteria: Invitae Variant Classification Sherloc (09022015). Collection method: clinical testing. Allele origin: germline.